The following is an entry in ClinVar:

NM_018006.5(TRMU):c.296T>C (p.Ile99Thr)

Gene: TRMU (tRNA mitochondrial 2-thiouridylase; plus strand). Cytogenetic location: 22q13.31.
Variant type: single nucleotide variant.
Coding change: c.296T>C on transcript NM_018006.5 (MANE Select); coding-DNA position 296, T replaced by C.
Protein change: p.Ile99Thr; replaces isoleucine 99 with threonine.
Molecular consequence: missense variant. On other transcripts: non-coding transcript variant (1), intron variant (3).
Genome position (GRCh38, 1-based): chr22:46,343,309, T>C. VCF-style: chr22-46343309-T-C. GRCh37 (hg19) VCF-style: chr22-46739206-T-C.
Other names: p.Ile99Thr; c.296T>C, p.Ile99Thr (NM_001282785.2); c.14-3113T>C (NM_001282782.2); c.-6-3113T>C (NM_001282783.2, NM_001282784.2); short protein forms I99T.
Identifiers: ClinVar variation 286863 (VCV000286863.22), dbSNP rs144054758, ClinGen allele CA10292008.
Genomic context (GRCh38, chr22:46,343,309, plus strand): 5'-TCTTTTATTCTAGTGACTTTTTGAATGAGTATGAAAAAGGAAGGACTCCCAATCCTGACA[T>C]AGTTTGCAACAAGCACATCAAATTTAGTTGCTTTTTTCATTATGCTGTGGATAATCTTGG-3'
Protein context (NP_060476.2, residues 89-109): YEKGRTPNPD[Ile99Thr]VCNKHIKFSC

ClinVar aggregate classification (germline): Conflicting classifications of pathogenicity. Review status: criteria provided, conflicting classifications (1 of 4 stars). 7 submissions from 7 submitters: Uncertain significance (3); Likely benign (2). 2 of the submissions do not count toward it. Last evaluated 2026-01-28.

Conditions:
TRMU-related disorder. Also called: TRMU-related condition.
Inborn genetic diseases. Identifiers: MedGen C0950123, MeSH D030342.
Acute infantile liver failure due to synthesis defect of mtDNA-encoded proteins. Also called: TRMU Deficiency; Liver failure acute infantile; LIVER FAILURE, INFANTILE, TRANSIENT. Identifiers: Orphanet 217371, MedGen C3278664, MONDO:0013111, OMIM 613070.

Allele frequency attached by ClinVar (database versions not stated): gnomAD exomes 0.00010 and 0.00025; ExAC 0.00027; 1000 Genomes Project 0.00040; 1000 Genomes Project 30x 0.00062; gnomAD 0.00099 and 0.00108; ESP Exome Variant Server 0.00115; TOPMed 0.00117.

Submissions (7):

Labcorp Genetics (formerly Invitae), Labcorp
Classification: Likely benign. Last evaluated: 2026-01-28. Review status: criteria provided, single submitter. Criteria: Invitae Variant Classification Sherloc (09022015). Collection method: clinical testing. Allele origin: germline.

Ambry Genetics
Classification: Likely benign for Inborn genetic diseases. Last evaluated: 2025-07-02. Review status: criteria provided, single submitter. Criteria: Ambry Variant Classification Scheme 2023. Collection method: clinical testing. Allele origin: germline.

GeneDx
Classification: Uncertain significance. Last evaluated: 2025-05-05. Review status: criteria provided, single submitter. Criteria: GeneDx Variant Classification Process June 2021. Collection method: clinical testing. Allele origin: germline. Affected: yes.
Comment: In silico analysis supports that this missense variant has a deleterious effect on protein structure/function; Observed in an individual with propofol-related infusion syndrome; zygosity was not reported (Nguyen B and Figueroa S.J Neurocrit Care 2022;15(2):122-125); This variant is associated with the following publications: (PMID: Nguyen2022[casereport])

Mayo Clinic Laboratories, Mayo Clinic
Classification: Uncertain significance. Last evaluated: 2024-03-19. Review status: criteria provided, single submitter. Criteria: ACMG Guidelines, 2015. Collection method: clinical testing. Allele origin: germline. Observed: 2 variant alleles.
Comment: BS1, PP3

Eurofins Ntd Llc (ga)
Classification: Uncertain significance. Last evaluated: 2018-05-10. Review status: criteria provided, single submitter. Criteria: EGL ClinVar v180209 classification definitions. Collection method: clinical testing. Allele origin: germline. Observed: 11 variant alleles, 11 heterozygotes.

PreventionGenetics, part of Exact Sciences
Classification: Likely benign for TRMU-related condition. Last evaluated: 2022-02-13. Review status: no assertion criteria provided. Collection method: clinical testing. Allele origin: germline. Not counted in ClinVar's aggregate classification.
Comment: This variant is classified as likely benign based on ACMG/AMP sequence variant interpretation guidelines (Richards et al. 2015 PMID: 25741868, with internal and published modifications).

Natera, Inc.
Classification: Likely benign for Acute infantile liver failure due to synthesis defect of mtDNA-encoded proteins. Last evaluated: 2020-06-05. Review status: no assertion criteria provided. Collection method: clinical testing. Allele origin: germline. Not counted in ClinVar's aggregate classification.